The following is an entry in ClinVar:

ClinVar aggregate classification (germline): Likely benign. Review status: criteria provided, multiple submitters, no conflicts (2 of 4 stars). 2 submissions from 2 submitters: Likely benign (2). Last evaluated 2025-03-31.

Allele frequency attached by ClinVar (database versions not stated): TOPMed below 0.00001; gnomAD 0.00002; gnomAD exomes 0.00003; ExAC 0.00005.

Submissions (2):

Labcorp Genetics (formerly Invitae), Labcorp
Classification: Likely benign. Last evaluated: 2025-03-31. Review status: criteria provided, single submitter. Criteria: Invitae Variant Classification Sherloc (09022015). Collection method: clinical testing. Allele origin: germline.

CeGaT Center for Human Genetics Tuebingen
Classification: Likely benign. Last evaluated: 2024-04-01. Review status: criteria provided, single submitter. Criteria: CeGaT Center For Human Genetics Tuebingen Variant Classification Criteria Version 2. Collection method: clinical testing. Allele origin: germline. Affected: yes. Observed: 1 variant allele.
Comment: LTBP4: BP4, BP7

NM_001042545.2(LTBP4):c.1776G>A (p.Gly592=)

Gene: LTBP4 (latent transforming growth factor beta binding protein 4; plus strand). Cytogenetic location: 19q13.2.
Variant type: single nucleotide variant.
Coding change: c.1776G>A on transcript NM_001042545.2 (MANE Select); coding-DNA position 1776, G replaced by A.
Protein change: p.Gly592=; no amino-acid change (glycine 592 retained).
Molecular consequence: synonymous variant.
Genome position (GRCh38, 1-based): chr19:40,610,623, G>A. VCF-style: chr19-40610623-G-A. GRCh37 (hg19) VCF-style: chr19-41116529-G-A.
Other names: c.1977G>A, p.Gly659= (NM_001042544.1); c.1866G>A, p.Gly622= (NM_003573.2).
Identifiers: ClinVar variation 3019393 (VCV003019393.23), dbSNP rs779066347, ClinGen allele CA9448421.